The following is an entry in ClinVar:

NM_014727.3(KMT2B):c.7084C>T (p.Pro2362Ser)

Gene: KMT2B (lysine methyltransferase 2B; plus strand). Cytogenetic location: 19q13.12.
Variant type: single nucleotide variant.
Coding change: c.7084C>T on transcript NM_014727.3 (MANE Select); coding-DNA position 7084, C replaced by T.
Protein change: p.Pro2362Ser; replaces proline 2362 with serine.
Molecular consequence: missense variant.
Genome position (GRCh38, 1-based): chr19:35,733,797, C>T. VCF-style: chr19-35733797-C-T. GRCh37 (hg19) VCF-style: chr19-36224698-C-T.
Other names: short protein forms P2362S.
Identifiers: ClinVar variation 4883596 (VCV004883596.2).

ClinVar aggregate classification (germline): Uncertain significance (1 of 4 stars; one submission).

Conditions:
Intellectual developmental disorder, autosomal dominant 68 (MRD68). Also called: MENTAL RETARDATION, AUTOSOMAL DOMINANT 68. Identifiers: MedGen C5677008, MONDO:0030969, OMIM 619934.

gnomAD v4.1: 1 of 1,613,756 alleles (0.000062%); highest among the groups gnomAD compares: Non-Finnish European, 0.000085%; no homozygotes.

Submission:

Dasa
Classification: Uncertain significance for Intellectual developmental disorder, autosomal dominant 68. Last evaluated: 2025-05-30. Review status: criteria provided, single submitter. Criteria: DASA Assertion Criteria. Collection method: clinical testing. Allele origin: germline.
Comment: NM_014727.3(KMT2B):c.7084C>T (p.Pro2362Ser) is a missense variant that results in the substitution of proline with serine. This variant is rare in population databases. Computational prediction algorithms are consistent with a benign effect. The currently available literature and clinical evidence are not sufficient to establish a definitive association between this variant and the reported condition. Therefore, this variant is classified as a variant of uncertain significance.